The following is an entry in ClinVar:

NM_001198533.2(OXR1):c.1909G>A (p.Glu637Lys)

Gene: OXR1 (oxidation resistance 1; plus strand). Cytogenetic location: 8q23.1.
Variant type: single nucleotide variant.
Coding change: c.1909G>A on transcript NM_001198533.2 (MANE Select); coding-DNA position 1909, G replaced by A.
Protein change: p.Glu637Lys; replaces glutamic acid 637 with lysine.
Molecular consequence: missense variant.
Genome position (GRCh38, 1-based): chr8:106,713,938, G>A. VCF-style: chr8-106713938-G-A. GRCh37 (hg19) VCF-style: chr8-107726166-G-A.
Other names: c.1912G>A, p.Glu638Lys (NM_001198532.1); c.1909G>A, p.Glu637Lys (NM_018002.3); c.1888G>A, p.Glu630Lys (NM_181354.4); short protein forms E630K, E637K, E638K.
Identifiers: ClinVar variation 4755997 (VCV004755997.1).

ClinVar aggregate classification (germline): Uncertain significance (1 of 4 stars; one submission).

Submission:

GeneDx
Classification: Uncertain significance. Last evaluated: 2025-08-08. Review status: criteria provided, single submitter. Criteria: GeneDx Variant Classification Process June 2021. Collection method: clinical testing. Allele origin: germline. Affected: yes.
Comment: Not observed at significant frequency in large population cohorts (gnomAD); In silico analysis supports that this missense variant has a deleterious effect on protein structure/function; Has not been previously published as pathogenic or benign to our knowledge